The following is an entry in ClinVar:

ClinVar aggregate classification (germline): Uncertain significance. Review status: criteria provided, multiple submitters, no conflicts (2 of 4 stars). 2 submissions from 2 submitters: Uncertain significance (2). Last evaluated 2025-03-18.

gnomAD v4.1: 49 of 1,611,136 alleles (0.003%); highest among the groups gnomAD compares: Non-Finnish European, 0.0042%; no homozygotes.

Submissions (2):

Labcorp Genetics (formerly Invitae), Labcorp
Classification: Uncertain significance. Last evaluated: 2025-03-18. Review status: criteria provided, single submitter. Criteria: Invitae Variant Classification Sherloc (09022015). Collection method: clinical testing. Allele origin: germline.
Comment: This sequence change replaces proline, which is neutral and non-polar, with alanine, which is neutral and non-polar, at codon 218 of the ATRIP protein (p.Pro218Ala). This variant is present in population databases (rs761403182, gnomAD 0.003%). This variant has not been reported in the literature in individuals affected with ATRIP-related conditions. An algorithm developed to predict the effect of missense changes on protein structure and function (PolyPhen-2) suggests that this variant is likely to be disruptive. In summary, the available evidence is currently insufficient to determine the role of this variant in disease. Therefore, it has been classified as a Variant of Uncertain Significance.

Ambry Genetics
Classification: Uncertain significance. Last evaluated: 2025-02-14. Review status: criteria provided, single submitter. Criteria: Ambry Variant Classification Scheme 2023. Collection method: clinical testing. Allele origin: germline.
Comment: The p.P218A variant (also known as c.652C>G), located in coding exon 4 of the ATRIP gene, results from a C to G substitution at nucleotide position 652. The proline at codon 218 is replaced by alanine, an amino acid with highly similar properties. This amino acid position is conserved. In addition, this alteration is predicted to be tolerated by in silico analysis. Based on the available evidence, the clinical significance of this variant remains unclear.

NM_130384.3(ATRIP):c.652C>G (p.Pro218Ala)

Genes: ATRIP (ATR interacting protein; plus strand), ATRIP-TREX1 (ATRIP-TREX1 readthrough; plus strand). Cytogenetic location: 3p21.31.
Variant type: single nucleotide variant.
Coding change: c.652C>G on transcript NM_130384.3 (MANE Select); coding-DNA position 652, C replaced by G.
Protein change: p.Pro218Ala; replaces proline 218 with alanine.
Molecular consequence: missense variant. On other transcripts: non-coding transcript variant (1).
Genome position (GRCh38, 1-based): chr3:48,454,399, C>G. VCF-style: chr3-48454399-C-G. GRCh37 (hg19) VCF-style: chr3-48495799-C-G.
Other names: c.271C>G, p.Pro91Ala (NM_001271022.2); c.373C>G, p.Pro125Ala (NM_001271023.2); c.652C>G, p.Pro218Ala (NM_032166.4); short protein forms P91A, P125A, P218A.
Identifiers: ClinVar variation 3810728 (VCV003810728.2).
Genomic context (GRCh38, chr3:48,454,399, plus strand): 5'-GAGATGAATGAATTAAGGACAAAGCTCCAGACCAGTGAACGAGCAAATAAACTGGCTGCT[C>G]CCTCTGTTTCCCATGTCAGGTAATGATGGTGCTGGAGGGATAGTTCAGTTTTGCATTATT-3'
Protein context (NP_569055.1, residues 208-228): TSERANKLAA[Pro218Ala]SVSHVSPRKN